The following is an entry in ClinVar:

NM_177438.3(DICER1):c.4826A>G (p.Asn1609Ser)

Gene: DICER1 (dicer 1, ribonuclease III; minus strand). Cytogenetic location: 14q32.13.
Variant type: single nucleotide variant.
Coding change: c.4826A>G on transcript NM_177438.3 (MANE Select); coding-DNA position 4826, A replaced by G.
Protein change: p.Asn1609Ser; replaces asparagine 1609 with serine.
Molecular consequence: missense variant.
Genome position (GRCh38, 1-based): chr14:95,096,094, T>C on the plus strand (A>G on the coding strand, the complement: DICER1 is on the minus strand). VCF-style: chr14-95096094-T-C. GRCh37 (hg19) VCF-style: chr14-95562431-T-C.
Other names: c.4826A>G, p.Asn1609Ser (NM_001195573.1, NM_001271282.3, NM_001291628.2 and 1 more transcripts); short protein forms N1609S.
Identifiers: ClinVar variation 477220 (VCV000477220.17), dbSNP rs1228069910, ClinGen allele CA390866932.

ClinVar aggregate classification (germline): Uncertain significance. Review status: criteria provided, multiple submitters, no conflicts (2 of 4 stars). 2 submissions from 2 submitters: Uncertain significance (2). Last evaluated 2025-12-22.

Conditions:
DICER1-related tumor predisposition. Also called: DICER1-related pleuropulmonary blastoma cancer predisposition syndrome; DICER1 syndrome. Identifiers: Orphanet 284343, MedGen C3839822, MONDO:0100216.
Hereditary cancer-predisposing syndrome. Also called: Tumor predisposition; Neoplastic Syndromes, Hereditary; Hereditary Cancer Syndrome; Hereditary neoplastic syndrome. Identifiers: Orphanet 140162, MedGen C0027672, MeSH D009386, MONDO:0015356.

Allele frequency attached by ClinVar (database versions not stated): gnomAD exomes below 0.00001; gnomAD 0.00001; TOPMed 0.00001.
gnomAD v4.1: 3 of 1,614,052 alleles (0.00019%); highest among the groups gnomAD compares: East Asian, 0.0045%; no homozygotes.

Submissions (2):

Labcorp Genetics (formerly Invitae), Labcorp
Classification: Uncertain significance for DICER1-related tumor predisposition. Last evaluated: 2025-12-22. Review status: criteria provided, single submitter. Criteria: Invitae Variant Classification Sherloc (09022015). Collection method: clinical testing. Allele origin: germline.
Comment: This sequence change replaces asparagine, which is neutral and polar, with serine, which is neutral and polar, at codon 1609 of the DICER1 protein (p.Asn1609Ser). This variant is not present in population databases (gnomAD no frequency). This variant has not been reported in the literature in individuals affected with DICER1-related conditions. ClinVar contains an entry for this variant (Variation ID: 477220). Invitae Evidence Modeling of protein sequence and biophysical properties (such as structural, functional, and spatial information, amino acid conservation, physicochemical variation, residue mobility, and thermodynamic stability) indicates that this missense variant is not expected to disrupt DICER1 protein function with a negative predictive value of 95%. In summary, the available evidence is currently insufficient to determine the role of this variant in disease. Therefore, it has been classified as a Variant of Uncertain Significance.

Ambry Genetics
Classification: Uncertain significance for Hereditary cancer-predisposing syndrome. Last evaluated: 2025-07-18. Review status: criteria provided, single submitter. Criteria: Ambry Variant Classification Scheme 2023. Collection method: clinical testing. Allele origin: germline.
Comment: The p.N1609S variant (also known as c.4826A>G), located in coding exon 22 of the DICER1 gene, results from an A to G substitution at nucleotide position 4826. The asparagine at codon 1609 is replaced by serine, an amino acid with highly similar properties. This amino acid position is not well conserved in available vertebrate species. In addition, this alteration is predicted to be tolerated by in silico analysis. Since supporting evidence is limited at this time, the clinical significance of this alteration remains unclear.